The following is an entry in ClinVar:

NM_030777.4(SLC2A10):c.1012C>A (p.Gln338Lys)

Gene: SLC2A10 (solute carrier family 2 member 10; plus strand). Cytogenetic location: 20q13.12.
Variant type: single nucleotide variant.
Coding change: c.1012C>A on transcript NM_030777.4 (MANE Select); coding-DNA position 1012, C replaced by A.
Protein change: p.Gln338Lys; replaces glutamine 338 with lysine.
Molecular consequence: missense variant.
Genome position (GRCh38, 1-based): chr20:46,726,048, C>A. VCF-style: chr20-46726048-C-A. GRCh37 (hg19) VCF-style: chr20-45354687-C-A.
Other names: c.1012C>A (NM_030777.3); short protein forms Q338K.
Identifiers: ClinVar variation 2162307 (VCV002162307.4), dbSNP rs1315880375, ClinGen allele CA409268857.
Genomic context (GRCh38, chr20:46,726,048, plus strand): 5'-AGCTTTGCCGTGCCCATGGACTCAGGCCCAAGCTGTCTGGCTGTGCCCAATGCCACCGGG[C>A]AGACAGGCCTCCCTGGAGACTCTGGCCTGCTGCAGGACTCCTCTCTACCTCCCATTCCAA-3'
Protein context (NP_110404.1, residues 328-348): SCLAVPNATG[Gln338Lys]TGLPGDSGLL

ClinVar aggregate classification (germline): Uncertain significance. Review status: criteria provided, multiple submitters, no conflicts (2 of 4 stars). 2 submissions from 2 submitters: Uncertain significance (2). Last evaluated 2026-03-15.

Conditions:
Familial thoracic aortic aneurysm and aortic dissection (TAAD). Also called: Thoracic aortic aneurysms and dissections. Identifiers: Orphanet 91387, MedGen C4707243, MONDO:0019625.
Arterial tortuosity syndrome (ATORS). Identifiers: Orphanet 3342, MedGen C1859726, MONDO:0008818, OMIM 208050.

gnomAD v4.1: 2 of 1,614,158 alleles (0.00012%); highest among the groups gnomAD compares: Admixed American, 0.0033%; no homozygotes.

Submissions (2):

Ambry Genetics
Classification: Uncertain significance for Familial thoracic aortic aneurysm and aortic dissection. Last evaluated: 2026-03-15. Review status: criteria provided, single submitter. Criteria: Ambry Variant Classification Scheme 2023. Collection method: clinical testing. Allele origin: germline.
Comment: The p.Q338K variant (also known as c.1012C>A), located in coding exon 2 of the SLC2A10 gene, results from a C to A substitution at nucleotide position 1012. The glutamine at codon 338 is replaced by lysine, an amino acid with similar properties. This amino acid position is conserved. In addition, this alteration is predicted to be tolerated by in silico analysis. Based on the available evidence, the clinical significance of this variant remains unclear.

Labcorp Genetics (formerly Invitae), Labcorp
Classification: Uncertain significance for Arterial tortuosity syndrome. Last evaluated: 2022-06-14. Review status: criteria provided, single submitter. Criteria: Invitae Variant Classification Sherloc (09022015). Collection method: clinical testing. Allele origin: germline.
Comment: This variant is present in population databases (no rsID available, gnomAD 0.003%). This sequence change replaces glutamine, which is neutral and polar, with lysine, which is basic and polar, at codon 338 of the SLC2A10 protein (p.Gln338Lys). This variant has not been reported in the literature in individuals affected with SLC2A10-related conditions. In summary, the available evidence is currently insufficient to determine the role of this variant in disease. Therefore, it has been classified as a Variant of Uncertain Significance. Advanced modeling of protein sequence and biophysical properties (such as structural, functional, and spatial information, amino acid conservation, physicochemical variation, residue mobility, and thermodynamic stability) performed at Invitae indicates that this missense variant is not expected to disrupt SLC2A10 protein function.